The following is an entry in ClinVar:

NM_014956.5(CEP164):c.50A>G (p.Asp17Gly)

Gene: CEP164 (centrosomal protein 164; plus strand). Cytogenetic location: 11q23.3.
Variant type: single nucleotide variant.
Coding change: c.50A>G on transcript NM_014956.5 (MANE Select); coding-DNA position 50, A replaced by G.
Protein change: p.Asp17Gly; replaces aspartic acid 17 with glycine.
Molecular consequence: missense variant.
Genome position (GRCh38, 1-based): chr11:117,338,636, A>G. VCF-style: chr11-117338636-A-G. GRCh37 (hg19) VCF-style: chr11-117209352-A-G.
Other names: c.50A>G, p.Asp17Gly (NM_001271933.2); short protein forms D17G.
Identifiers: ClinVar variation 1469010 (VCV001469010.6), dbSNP rs140963454, ClinGen allele CA6294304.
Genomic context (GRCh38, chr11:117,338,636, plus strand): 5'-CCAGATGAGTCATGGCTGGACGACCCCTCCGCATAGGAGATCAGCTGGTTCTGGAAGAAG[A>G]TTATGATGAGACCTACATTCCTAGTGAGCAAGGTAACAAGTCTGTGAAGAGGCCTGTGGT-3'
Protein context (NP_055771.4, residues 7-27): RIGDQLVLEE[Asp17Gly]YDETYIPSEQ

ClinVar aggregate classification (germline): Uncertain significance (1 of 4 stars; one submission).

Conditions:
Nephronophthisis 15 (NPHP15). Identifiers: Orphanet 3156, MedGen C3541853, MONDO:0013917, OMIM 614845.

Allele frequency attached by ClinVar (database versions not stated): TOPMed below 0.00001; gnomAD exomes 0.00001 and 0.00002; ExAC 0.00002; ESP Exome Variant Server 0.00015.
gnomAD v4.1: 27 of 1,614,104 alleles (0.0017%); highest among the groups gnomAD compares: Non-Finnish European, 0.0021%; no homozygotes.

Submission:

Labcorp Genetics (formerly Invitae), Labcorp
Classification: Uncertain significance for Nephronophthisis 15. Last evaluated: 2022-04-04. Review status: criteria provided, single submitter. Criteria: Invitae Variant Classification Sherloc (09022015). Collection method: clinical testing. Allele origin: germline.
Comment: In summary, the available evidence is currently insufficient to determine the role of this variant in disease. Therefore, it has been classified as a Variant of Uncertain Significance. Algorithms developed to predict the effect of sequence changes on RNA splicing suggest that this variant may disrupt the consensus splice site. Algorithms developed to predict the effect of missense changes on protein structure and function are either unavailable or do not agree on the potential impact of this missense change (SIFT: "Deleterious"; PolyPhen-2: "Benign"; Align-GVGD: "Class C35"). This variant has not been reported in the literature in individuals affected with CEP164-related conditions. This variant is present in population databases (rs140963454, gnomAD 0.002%). This sequence change replaces aspartic acid, which is acidic and polar, with glycine, which is neutral and non-polar, at codon 17 of the CEP164 protein (p.Asp17Gly).